The following is an entry in ClinVar:

NM_020706.2(SCAF4):c.2823A>C (p.Gln941His)

Gene: SCAF4 (SR-related CTD associated factor 4; minus strand). Cytogenetic location: 21q22.11.
Variant type: single nucleotide variant.
Coding change: c.2823A>C on transcript NM_020706.2 (MANE Select); coding-DNA position 2823, A replaced by C.
Protein change: p.Gln941His; replaces glutamine 941 with histidine.
Molecular consequence: missense variant.
Genome position (GRCh38, 1-based): chr21:31,672,020, T>G on the plus strand (A>C on the coding strand, the complement: SCAF4 is on the minus strand). VCF-style: chr21-31672020-T-G. GRCh37 (hg19) VCF-style: chr21-33044333-T-G.
Other names: c.2778A>C, p.Gln926His (NM_001145444.1); c.2757A>C, p.Gln919His (NM_001145445.1); short protein forms Q919H, Q926H, Q941H.
Identifiers: ClinVar variation 3902346 (VCV003902346.1).

ClinVar aggregate classification (germline): Uncertain significance (1 of 4 stars; one submission).

Submission:

Women's Health and Genetics/Laboratory Corporation of America, LabCorp
Classification: Uncertain significance. Last evaluated: 2025-05-09. Review status: criteria provided, single submitter. Criteria: LabCorp Variant Classification Summary - May 2015. Collection method: clinical testing. Allele origin: germline.
Comment: Variant summary: SCAF4 c.2823A>C (p.Gln941His) results in a non-conservative amino acid change in the encoded protein sequence. Algorithms developed to predict the effect of missense changes on protein structure and function are either unavailable or do not agree on the potential impact of this missense change. The variant was absent in 248568 control chromosomes. The available data on variant occurrences in the general population are insufficient to allow any conclusion about variant significance. To our knowledge, no occurrence of c.2823A>C in individuals affected with Fliedner-Zweier Syndrome and no experimental evidence demonstrating its impact on protein function have been reported. No submitters have cited clinical-significance assessments for this variant to ClinVar. Based on the evidence outlined above, the variant was classified as uncertain significance.